The following is an entry in ClinVar:

ClinVar aggregate classification (germline): Uncertain significance (1 of 4 stars; one submission).

Conditions:
Primary dilated cardiomyopathy (DCM). Also called: Dilated Cardiomyopathy. Identifiers: Orphanet 217604, MedGen C0007193, MeSH D002311, MONDO:0005021, HP:0001644. Inheritance: Various modes of inheritance.

Submission:

Labcorp Genetics (formerly Invitae), Labcorp
Classification: Uncertain significance for Primary dilated cardiomyopathy. Last evaluated: 2023-12-04. Review status: criteria provided, single submitter. Criteria: Invitae Variant Classification Sherloc (09022015). Collection method: clinical testing. Allele origin: germline.
Comment: This variant, c.235_249del, results in the deletion of 5 amino acid(s) of the FHL2 protein (p.Pro79_Lys83del), but otherwise preserves the integrity of the reading frame. This variant is not present in population databases (gnomAD no frequency). This variant has not been reported in the literature in individuals affected with FHL2-related conditions. Experimental studies and prediction algorithms are not available or were not evaluated, and the functional significance of this variant is currently unknown. In summary, the available evidence is currently insufficient to determine the role of this variant in disease. Therefore, it has been classified as a Variant of Uncertain Significance.

NM_001318895.3(FHL2):c.235_249del (p.Pro79_Lys83del)

Genes: C2orf49 (chromosome 2 open reading frame 49; plus strand), FHL2 (four and a half LIM domains 2; minus strand). Cytogenetic location: 2q12.2.
Variant type: Deletion.
Coding change: c.235_249del on transcript NM_001318895.3 (MANE Select); coding-DNA positions 235 to 249, 15 bases deleted (CCCTTTGCTGCCAAG).
Protein change: p.Pro79_Lys83del.
Molecular consequence: inframe deletion. On other transcripts: 5 prime UTR variant (1), intron variant (2).
Genome position (GRCh38, 1-based): chr2:105,373,641-105,373,655, CTTGGCAGCAAAGGG deleted on the plus strand (CCCTTTGCTGCCAAG on the coding strand, the reverse complement: FHL2 is on the minus strand); deleting any 15 consecutive bases within chr2:105,373,641-105,373,659 gives the same sequence; the c. name uses the placement nearest the transcript's 3' end. VCF-style (leftmost placement, unchanged base first): chr2-105373640-CCTTGGCAGCAAAGGG-C. GRCh37 (hg19) VCF-style: chr2-105990097-CCTTGGCAGCAAAGGG-C.
Other names: c.235_249del, p.Pro79_Lys83del (NM_001039492.3, NM_001318894.1, NM_001318896.2 and 4 more transcripts); c.-90_-76del (NM_001318899.2); c.-11-5916_-11-5902del (NM_001318897.2, NM_001318898.2).
Identifiers: ClinVar variation 2700779 (VCV002700779.3), dbSNP rs2467209511, ClinGen allele CA2697550999.